The following is an entry in ClinVar:

ClinVar aggregate classification (germline): Uncertain significance (1 of 4 stars; one submission).

Conditions:
Cohen syndrome (COH1). Also called: PEPPER SYNDROME; Cutis verticis gyrata, retinitis pigmentosa, and sensorineural deafness. Identifiers: Orphanet 193, MedGen C0265223, MONDO:0008999, OMIM 216550.

Submission:

3billion
Classification: Uncertain significance for Cohen syndrome. Last evaluated: 2024-06-14. Review status: criteria provided, single submitter. Criteria: ACMG Guidelines, 2015. Collection method: clinical testing. Allele origin: germline. Affected: yes.
Comment: The variant is not observed in the gnomAD v4.0.0 dataset. Predicted Consequence/Location: Inframe deletion located in a nonrepeat region: predicted to change the length of the protein and disrupt normal protein function. Therefore, this variant is classified as VUS according to the recommendation of ACMG/AMP guideline.

NM_152564.5(VPS13B):c.6547TGT[1] (p.Cys2184del)

Gene: VPS13B (vacuolar protein sorting 13 homolog B; plus strand). Cytogenetic location: 8q22.2.
Variant type: Microsatellite.
Coding change: c.6547TGT[1] on transcript NM_152564.5 (MANE Select); one copy of the 3-base unit TGT starting at c.6547; the reference has two copies in a row; one copy, 3 bases deleted; also written c.6550_6552del.
Protein change: p.Cys2184del; deletes cysteine 2184.
Molecular consequence: inframe deletion.
Genome position (GRCh38, 1-based): chr8:99,717,266-99,717,268, TGT deleted; deleting any 3 consecutive bases within chr8:99,717,263-99,717,268 gives the same sequence; the position shown is the placement nearest the transcript's 3' end. VCF-style (leftmost placement, unchanged base first): chr8-99717262-ATGT-A. GRCh37 (hg19) VCF-style: chr8-100729490-ATGT-A.
Other names: c.6622TGT[1], p.Cys2209del (NM_017890.5); c.6550_6552del (NM_152564.5); short protein forms C2184del, C2209del.
Identifiers: ClinVar variation 4292807 (VCV004292807.1).